The following is an entry in ClinVar:

ClinVar aggregate classification (germline): Likely pathogenic (1 of 4 stars; one submission).

Submission:

Greenwood Genetic Center Diagnostic Laboratories, Greenwood Genetic Center
Classification: Likely pathogenic. Last evaluated: 2021-03-08. Review status: criteria provided, single submitter. Criteria: ACMG Guidelines, 2015. Collection method: clinical testing. Allele origin: germline. Affected: yes.
Comment: PP3, PM1, PM2, PM5

NM_004004.6(GJB2):c.136G>C (p.Asp46His)

Gene: GJB2 (gap junction protein beta 2; minus strand). Cytogenetic location: 13q12.11.
Variant type: single nucleotide variant.
Coding change: c.136G>C on transcript NM_004004.6 (MANE Select); coding-DNA position 136, G replaced by C.
Protein change: p.Asp46His; replaces aspartic acid 46 with histidine.
Molecular consequence: missense variant.
Genome position (GRCh38, 1-based): chr13:20,189,446, C>G on the plus strand (G>C on the coding strand, the complement: GJB2 is on the minus strand). VCF-style: chr13-20189446-C-G. GRCh37 (hg19) VCF-style: chr13-20763585-C-G.
Other names: short protein forms D46H.
Identifiers: ClinVar variation 1331603 (VCV001331603.4), dbSNP rs1064797088, ClinGen allele CA387461847.
Genomic context (GRCh38, chr13:20,189,446, plus strand): 5'-CGTAGCACACGTTCTTGCAGCCTGGCTGCAGGGTGTTGCAGACAAAGTCGGCCTGCTCAT[C>G]TCCCCACACCTCCTTTGCAGCCACAACGAGGATCATAATGCGAAAAATGAAGAGGACGGT-3'
Protein context (NP_003995.2, residues 36-56): LVVAAKEVWG[Asp46His]EQADFVCNTL